The following is an entry in ClinVar:

ClinVar aggregate classification (germline): Benign. Review status: criteria provided, multiple submitters, no conflicts (2 of 4 stars). 2 submissions from 2 submitters: Benign (2). Last evaluated 2018-06-14.

Allele frequency attached by ClinVar (database versions not stated): gnomAD exomes 0.67334; gnomAD 0.72724 and 0.72928; TOPMed 0.73128; 1000 Genomes Project 30x 0.75937; 1000 Genomes Project 0.76018.
gnomAD v4.1: 1,002,628 of 1,476,474 alleles (68%); highest among the groups gnomAD compares: African/African-American, 86%; 342,586 homozygotes.

Submissions (2):

GeneDx
Classification: Benign. Last evaluated: 2018-06-14. Review status: criteria provided, single submitter. Criteria: GeneDx Variant Classification (06012015). Collection method: clinical testing. Allele origin: germline. Affected: yes.
Comment: This variant is considered likely benign or benign based on one or more of the following criteria: it is a conservative change, it occurs at a poorly conserved position in the protein, it is predicted to be benign by multiple in silico algorithms, and/or has population frequency not consistent with disease.

Breakthrough Genomics
Classification: Benign. Review status: criteria provided, single submitter. Criteria: ACMG Guidelines, 2015. Collection method: not provided. Allele origin: germline. Inheritance: Autosomal recessive inheritance. Affected: yes.

NM_014297.5(ETHE1):c.82-187G>A

Gene: ETHE1 (ETHE1 persulfide dioxygenase; minus strand). Cytogenetic location: 19q13.31.
Variant type: single nucleotide variant.
Coding change: c.82-187G>A on transcript NM_014297.5 (MANE Select); 187 bases into the intron before coding-DNA position 82, G replaced by A.
Molecular consequence: intron variant.
Genome position (GRCh38, 1-based): chr19:43,526,846, C>T on the plus strand (G>A on the coding strand, the complement: ETHE1 is on the minus strand). VCF-style: chr19-43526846-C-T. GRCh37 (hg19) VCF-style: chr19-44030998-C-T.
Other names: c.81+251G>A (NM_001320869.2); c.-139-187G>A (NM_001320868.2); c.82-187G>A (NM_001320867.2).
Identifiers: ClinVar variation 683856 (VCV000683856.2), dbSNP rs2261316, ClinGen allele CA14676725.